The following is an entry in ClinVar:

ClinVar aggregate classification (germline): Likely benign. Review status: criteria provided, single submitter (1 of 4 stars). 2 submissions from 2 submitters: Likely benign (1). 1 of the submissions does not count toward it. Last evaluated 2025-08-08.

Conditions:
AP3B2-related disorder. Also called: AP3B2-related condition.

Allele frequency attached by ClinVar (database versions not stated): ExAC 0.00002.
gnomAD v4.1: 8 of 1,611,988 alleles (0.0005%); highest among the groups gnomAD compares: Admixed American, 0.01%; no homozygotes.

Submissions (2):

Labcorp Genetics (formerly Invitae), Labcorp
Classification: Likely benign. Last evaluated: 2025-08-08. Review status: criteria provided, single submitter. Criteria: Invitae Variant Classification Sherloc (09022015). Collection method: clinical testing. Allele origin: germline.

PreventionGenetics, part of Exact Sciences
Classification: Likely benign for AP3B2-related condition. Last evaluated: 2021-10-27. Review status: no assertion criteria provided. Collection method: clinical testing. Allele origin: germline. Not counted in ClinVar's aggregate classification.
Comment: This variant is classified as likely benign based on ACMG/AMP sequence variant interpretation guidelines (Richards et al. 2015 PMID: 25741868, with internal and published modifications).

NM_001278512.2(AP3B2):c.279C>G (p.Val93=)

Genes: AP3B2 (adaptor related protein complex 3 subunit beta 2; minus strand), CPEB1-AS1 (CPEB1 antisense RNA 1; plus strand). Cytogenetic location: 15q25.2.
Variant type: single nucleotide variant.
Coding change: c.279C>G on transcript NM_001278512.2 (MANE Select); coding-DNA position 279, C replaced by G.
Protein change: p.Val93=; no amino-acid change (valine 93 retained).
Molecular consequence: synonymous variant. On other transcripts: intron variant (1).
Genome position (GRCh38, 1-based): chr15:82,688,817, G>C on the plus strand (C>G on the coding strand, the complement: AP3B2 is on the minus strand). VCF-style: chr15-82688817-G-C. GRCh37 (hg19) VCF-style: chr15-83357569-G-C.
Other names: c.279C>G, p.Val93= (NM_001348440.2, NM_004644.5); c.264+341C>G (NM_001278511.2); c.279C>G (NM_004644.4).
Identifiers: ClinVar variation 2057314 (VCV002057314.6), dbSNP rs747912746, ClinGen allele CA7700537.
Genomic context (GRCh38, chr15:82,688,817, plus strand): 5'-GGAGATGGACAGCAGGGCCAGGTCTTGCTGCTCCTCAGCGTAGCGTACCAGGTACACATA[G>C]ACAAGCTTCTTCACCTTGGGGAGAGCACGTTTCTCAGCAGAACGCTTCTCAGCAGGCACC-3'
Protein context (NP_001265441.1, residues 83-103): ACKNIEVKKL[Val93=]YVYLVRYAEE